The following is an entry in ClinVar:

ClinVar aggregate classification (germline): Benign/Likely benign. Review status: criteria provided, multiple submitters, no conflicts (2 of 4 stars). 4 submissions from 4 submitters: Benign (2); Likely benign (2). Last evaluated 2026-01-22.

Conditions:
Vanishing white matter disease. Also called: CACH syndrome; Childhood ataxia with diffuse central nervous system hypomyelination; Leukoencephalopathy with vanishing white matter; CACH/VWM syndrome; Cree leukoencehalopathy. Identifiers: Orphanet 135, Orphanet 99853, MedGen C1858991, MONDO:0800448.

Allele frequency attached by ClinVar (database versions not stated): gnomAD 0.00034 and 0.00044; gnomAD exomes 0.00041 and 0.00092; TOPMed 0.00053; ExAC 0.00082; 1000 Genomes Project 30x 0.00125; 1000 Genomes Project 0.00140.
gnomAD v4.1: 646 of 1,614,114 alleles (0.04%); highest among the groups gnomAD compares: East Asian, 1.4%; 4 homozygotes.

Submissions (6):

Labcorp Genetics (formerly Invitae), Labcorp
Classification: Benign. Last evaluated: 2026-01-22. Review status: criteria provided, single submitter. Criteria: Invitae Variant Classification Sherloc (09022015). Collection method: clinical testing. Allele origin: germline.

Blueprint Genetics
Classification: Likely benign. Last evaluated: 2024-09-20. Review status: criteria provided, single submitter. Criteria: ACMG Guidelines, 2015. Collection method: clinical testing. Allele origin: germline.

CeGaT Center for Human Genetics Tuebingen
Classification: Likely benign. Last evaluated: 2023-03-01. Review status: criteria provided, single submitter. Criteria: CeGaT Center For Human Genetics Tuebingen Variant Classification Criteria Version 2. Collection method: clinical testing. Allele origin: germline. Affected: yes. Observed: 1 variant allele.
Comment: EIF2B2: BS1

Illumina Laboratory Services, Illumina
Classification: Benign for Leukoencephalopathy with vanishing white matter 1. Last evaluated: 2018-01-13. Review status: criteria provided, single submitter. Criteria: ICSL Variant Classification Criteria 13 December 2019. Collection method: clinical testing. Allele origin: germline.
Comment: This variant was observed in the ICSL laboratory as part of a predisposition screen in an ostensibly healthy population. It had not been previously curated by ICSL or reported in the Human Gene Mutation Database (HGMD: prior to June 1st, 2018), and was therefore a candidate for classification through an automated scoring system. Utilizing variant allele frequency, disease prevalence and penetrance estimates, and inheritance mode, an automated score was calculated to assess if this variant is too frequent to cause the disease. Based on the score and internal cut-off values, a variant classified as benign is not then subjected to further curation. The score for this variant resulted in a classification of benign for this disease.

Dr. Peter K. Rogan Lab, Western University
No classification provided (evidence only). Condition: Malignant tumor of esophagus. Review status: no classification provided. Collection method: in vitro. Allele origin: not applicable. Functional consequence: retained intron. Not counted in ClinVar's aggregate classification.

Dr. Peter K. Rogan Lab, Western University
No classification provided (evidence only). Condition: Malignant tumor of esophagus. Review status: no classification provided. Collection method: in vitro. Allele origin: not applicable. Functional consequence: retained intron. Not counted in ClinVar's aggregate classification.

NM_014239.4(EIF2B2):c.899-11T>G

Gene: EIF2B2 (eukaryotic translation initiation factor 2B subunit beta; plus strand). Cytogenetic location: 14q24.3.
Variant type: single nucleotide variant.
Coding change: c.899-11T>G on transcript NM_014239.4 (MANE Select); 11 bases into the intron before coding-DNA position 899, T replaced by G.
Molecular consequence: intron variant.
Genome position (GRCh38, 1-based): chr14:75,009,020, T>G. VCF-style: chr14-75009020-T-G. GRCh37 (hg19) VCF-style: chr14-75475723-T-G.
Identifiers: ClinVar variation 314337 (VCV000314337.39), dbSNP rs78900727, ClinGen allele CA7275107.